The following is an entry in ClinVar:

ClinVar aggregate classification (germline): Uncertain significance. Review status: criteria provided, multiple submitters, no conflicts (2 of 4 stars). 2 submissions from 2 submitters: Uncertain significance (2). Last evaluated 2026-06-20.

Conditions:
Hereditary cancer-predisposing syndrome. Also called: Hereditary Cancer Syndrome; Neoplastic Syndromes, Hereditary; Hereditary neoplastic syndrome; Tumor predisposition. Identifiers: Orphanet 140162, MedGen C0027672, MeSH D009386, MONDO:0015356.
Gastrointestinal stromal tumor. Also called: Gastrointestinal stromal tumor, somatic; Gastrointestinal stroma tumor. Identifiers: Orphanet 44890, MedGen C0238198, MeSH D046152, MONDO:0011719, OMIM 606764, HP:0100723.

gnomAD v4.1: 1 of 1,310,194 alleles (0.000076%); highest among the groups gnomAD compares: Non-Finnish European, 0.00011%; no homozygotes.

Submissions (2):

Ambry Genetics
Classification: Uncertain significance for Hereditary cancer-predisposing syndrome. Last evaluated: 2026-06-20. Review status: criteria provided, single submitter. Criteria: Ambry Variant Classification Scheme 2023. Collection method: clinical testing. Allele origin: germline.
Comment: The p.T855N variant (also known as c.2564C>A), located in coding exon 18 of the PDGFRA gene, results from a C to A substitution at nucleotide position 2564. The threonine at codon 855 is replaced by asparagine, an amino acid with similar properties. This amino acid position is conserved. In addition, the in silico prediction for this alteration is inconclusive. Based on the available evidence, the clinical significance of this variant remains unclear.

Labcorp Genetics (formerly Invitae), Labcorp
Classification: Uncertain significance for Gastrointestinal stromal tumor. Last evaluated: 2023-07-17. Review status: criteria provided, single submitter. Criteria: Invitae Variant Classification Sherloc (09022015). Collection method: clinical testing. Allele origin: germline.
Comment: In summary, the available evidence is currently insufficient to determine the role of this variant in disease. Therefore, it has been classified as a Variant of Uncertain Significance. An algorithm developed to predict the effect of missense changes on protein structure and function (PolyPhen-2) suggests that this variant is likely to be disruptive. ClinVar contains an entry for this variant (Variation ID: 1346591). This variant has not been reported in the literature in individuals affected with PDGFRA-related conditions. This variant is not present in population databases (gnomAD no frequency). This sequence change replaces threonine, which is neutral and polar, with asparagine, which is neutral and polar, at codon 855 of the PDGFRA protein (p.Thr855Asn).

NM_006206.6(PDGFRA):c.2564C>A (p.Thr855Asn)

Gene: PDGFRA (platelet derived growth factor receptor alpha; plus strand). Cytogenetic location: 4q12.
Variant type: single nucleotide variant.
Coding change: c.2564C>A on transcript NM_006206.6 (MANE Select); coding-DNA position 2564, C replaced by A.
Protein change: p.Thr855Asn; replaces threonine 855 with asparagine.
Molecular consequence: missense variant.
Genome position (GRCh38, 1-based): chr4:54,287,431, C>A. VCF-style: chr4-54287431-C-A. GRCh37 (hg19) VCF-style: chr4-55153598-C-A.
Other names: c.2639C>A, p.Thr880Asn (NM_001347828.2); c.2564C>A, p.Thr855Asn (NM_001347829.2); c.2603C>A, p.Thr868Asn (NM_001347830.2); c.2564C>A (NM_006206.4); short protein forms T855N, T868N, T880N.
Identifiers: ClinVar variation 1346591 (VCV001346591.9), dbSNP rs1222441176, ClinGen allele CA356895128.
Genomic context (GRCh38, chr4:54,287,431, plus strand): 5'-ACTGCTGTGGATCATCAGTGAGTAGACATGGGTTTAACTGTCTCCCTCCTTCCTTGCAGA[C>A]CTTTCTGCCCGTGAAGTGGATGGCTCCTGAGAGCATCTTTGACAACCTCTACACCACACT-3'
Protein context (NP_006197.1, residues 845-865): HDSNYVSKGS[Thr855Asn]FLPVKWMAPE